The following is an entry in ClinVar:

NM_199420.4(POLQ):c.5315A>G (p.Tyr1772Cys)

Gene: POLQ (DNA polymerase theta; minus strand). Cytogenetic location: 3q13.33.
Variant type: single nucleotide variant.
Coding change: c.5315A>G on transcript NM_199420.4 (MANE Select); coding-DNA position 5315, A replaced by G.
Protein change: p.Tyr1772Cys; replaces tyrosine 1772 with cysteine.
Molecular consequence: missense variant.
Genome position (GRCh38, 1-based): chr3:121,487,616, T>C on the plus strand (A>G on the coding strand, the complement: POLQ is on the minus strand). VCF-style: chr3-121487616-T-C. GRCh37 (hg19) VCF-style: chr3-121206463-T-C.
Other names: short protein forms Y1772C.
Identifiers: ClinVar variation 2449503 (VCV002449503.2), dbSNP rs2546784865, ClinGen allele CA354090588.

ClinVar aggregate classification (germline): Uncertain significance (1 of 4 stars; one submission).

Allele frequency attached by ClinVar (database versions not stated): gnomAD exomes below 0.00001.
gnomAD v4.1: 2 of 1,614,004 alleles (0.00012%); highest among the groups gnomAD compares: Non-Finnish European, 0.000085%; no homozygotes.

Submission:

Ambry Genetics
Classification: Uncertain significance. Last evaluated: 2023-02-24. Review status: criteria provided, single submitter. Criteria: Ambry Variant Classification Scheme 2023. Collection method: clinical testing. Allele origin: germline.
Comment: The p.Y1772C variant (also known as c.5315A>G), located in coding exon 16 of the POLQ gene, results from an A to G substitution at nucleotide position 5315. The tyrosine at codon 1772 is replaced by cysteine, an amino acid with highly dissimilar properties. This amino acid position is conserved. In addition, this alteration is predicted to be tolerated by in silico analysis. Since supporting evidence is limited at this time, the clinical significance of this alteration remains unclear.